The following is an entry in ClinVar:

ClinVar aggregate classification (germline): Pathogenic (1 of 4 stars; one submission).

Conditions:
Ellis-van Creveld syndrome (EVC). Also called: MESOECTODERMAL DYSPLASIA; Chondroectodermal dysplasia. Identifiers: Orphanet 289, MedGen C0013903, MONDO:0009162, OMIM 225500.

Submission:

Myriad Genetics, Inc.
Classification: Pathogenic for Ellis-van Creveld syndrome. Last evaluated: 2023-09-27. Review status: criteria provided, single submitter. Criteria: Myriad Autosomal Dominant, Autosomal Recessive and X-Linked Classification Criteria (2023). Collection method: clinical testing. Allele origin: unknown.
Comment: NM_153717.2(EVC):c.1018dupC(R340Pfs*44) is expected to be pathogenic in the context of EVC-related Ellis-van Creveld syndrome. This variant is predicted to lead to an abnormal or absent protein product due to the creation of a premature termination codon in EVC, a gene where loss-of-function variants are known to be pathogenic. Please note: this variant was assessed in the context of healthy population screening.

NM_153717.3(EVC):c.1018dup (p.Arg340fs)

Gene: EVC (EvC ciliary complex subunit 1; plus strand). Cytogenetic location: 4p16.2.
Variant type: Duplication.
Coding change: c.1018dup on transcript NM_153717.3 (MANE Select); coding-DNA position 1018, one base duplicated (C; older notation c.1018dupC).
Protein change: p.Arg340fs; shifts the reading frame from arginine 340.
Molecular consequence: frameshift variant.
Genome position (GRCh38, 1-based): chr4:5,748,226, C duplicated; the last of 3 consecutive C bases (chr4:5,748,224-5,748,226); duplicating any one gives the same sequence. VCF-style (leftmost placement, unchanged base first): chr4-5748223-G-GC. GRCh37 (hg19) VCF-style: chr4-5749950-G-GC.
Other names: c.1018dup, p.Arg340fs (NM_001306090.2, NM_001306092.2); short protein forms R340fs.
Identifiers: ClinVar variation 5012219 (VCV005012219.1).